The following is an entry in ClinVar:

NM_001165963.4(SCN1A):c.*721A>G

Genes: SCN1A (sodium voltage-gated channel alpha subunit 1; minus strand), LOC102724058 (uncharacterized LOC102724058; plus strand). Cytogenetic location: 2q24.3.
Variant type: single nucleotide variant.
Coding change: c.*721A>G on transcript NM_001165963.4 (MANE Select); 721 bases downstream of the stop codon, A replaced by G.
Molecular consequence: 3 prime UTR variant. On other transcripts: non-coding transcript variant (1).
Genome position (GRCh38, 1-based): chr2:165,990,524, T>C on the plus strand (A>G on the coding strand, the complement: SCN1A is on the minus strand). VCF-style: chr2-165990524-T-C. GRCh37 (hg19) VCF-style: chr2-166847034-T-C.
Other names: c.*721A>G (NM_001165964.3, NM_001202435.3, NM_001353948.2 and 11 more transcripts).
Identifiers: ClinVar variation 331873 (VCV000331873.8), dbSNP rs4667859, ClinGen allele CA10612751.
Genomic context (GRCh38, chr2:165,990,524, plus strand): 5'-ATGACTCCAAACATTTGAATGAAGTTTGCACCTGCTAAGATTTACTGGCCTACCCACAAA[T>C]AATCTACTTGGTCTAGGGGCTGGATTTCGCAAAACAAGATCAACAAAGCACCTCCACTTA-3'

ClinVar aggregate classification (germline): Benign. Review status: criteria provided, multiple submitters, no conflicts (2 of 4 stars). 4 submissions from 3 submitters: Benign (4). Last evaluated 2021-05-14.

Conditions:
Migraine, familial hemiplegic, 3. Identifiers: Orphanet 569, MedGen C1864987, MONDO:0012320, OMIM 609634.
Generalized epilepsy with febrile seizures plus, type 2 (GEFSP2). Also called: GEFS+, TYPE 2. Identifiers: Orphanet 36387, MedGen C1858673, MONDO:0011461, OMIM 604403.

Allele frequency attached by ClinVar (database versions not stated): 1000 Genomes Project 30x 0.99672; gnomAD 0.99675 and 0.99700; TOPMed 0.99683; 1000 Genomes Project 0.99720; gnomAD exomes 1.00000.
gnomAD v4.1: 152,214 of 152,668 alleles (100%); highest among the groups gnomAD compares: Middle Eastern, 100%; 75,881 homozygotes.

Submissions (4):

GeneDx
Classification: Benign. Last evaluated: 2021-05-14. Review status: criteria provided, single submitter. Criteria: GeneDx Variant Classification Process June 2021. Collection method: clinical testing. Allele origin: germline. Affected: yes.

Illumina Laboratory Services, Illumina
Classification: Benign for Migraine, familial hemiplegic, 3. Last evaluated: 2018-01-13. Review status: criteria provided, single submitter. Criteria: ICSL Variant Classification Criteria 13 December 2019. Collection method: clinical testing. Allele origin: germline.
Comment: This variant was observed in the ICSL laboratory as part of a predisposition screen in an ostensibly healthy population. It had not been previously curated by ICSL or reported in the Human Gene Mutation Database (HGMD: prior to June 1st, 2018), and was therefore a candidate for classification through an automated scoring system. Utilizing variant allele frequency, disease prevalence and penetrance estimates, and inheritance mode, an automated score was calculated to assess if this variant is too frequent to cause the disease. Based on the score and internal cut-off values, a variant classified as benign is not then subjected to further curation. The score for this variant resulted in a classification of benign for this disease.

Illumina Laboratory Services, Illumina
Classification: Benign for Generalized epilepsy with febrile seizures plus, type 2. Last evaluated: 2018-01-13. Review status: criteria provided, single submitter. Criteria: ICSL Variant Classification Criteria 13 December 2019. Collection method: clinical testing. Allele origin: germline.
Comment: the same text as in the submission from Illumina Laboratory Services, Illumina above.

Breakthrough Genomics
Classification: Benign. Review status: criteria provided, single submitter. Criteria: ACMG Guidelines, 2015. Collection method: not provided. Allele origin: germline. Inheritance: Autosomal dominant inheritance. Affected: yes.